The following is an entry in ClinVar:

ClinVar aggregate classification (germline): Likely benign. Review status: criteria provided, multiple submitters, no conflicts (2 of 4 stars). 2 submissions from 2 submitters: Likely benign (2). Last evaluated 2025-05-09.

Conditions:
SLC16A1-related disorder. Also called: SLC16A1-related condition; SLC16A1-related disorders.

Submissions (2):

PreventionGenetics, part of Exact Sciences
Classification: Likely benign for SLC16A1-related condition. Last evaluated: 2025-05-09. Review status: criteria provided, single submitter. Criteria: ACMG Guidelines, 2015. Collection method: clinical testing. Allele origin: germline.
Comment: This variant is classified as likely benign based on ACMG/AMP sequence variant interpretation guidelines (Richards et al. 2015 PMID: 25741868, with internal and published modifications).

Labcorp Genetics (formerly Invitae), Labcorp
Classification: Likely benign. Last evaluated: 2024-05-01. Review status: criteria provided, single submitter. Criteria: Invitae Variant Classification Sherloc (09022015). Collection method: clinical testing. Allele origin: germline.

NM_003051.4(SLC16A1):c.1225T>C (p.Leu409=)

Gene: SLC16A1 (solute carrier family 16 member 1; minus strand). Cytogenetic location: 1p13.2.
Variant type: single nucleotide variant.
Coding change: c.1225T>C on transcript NM_003051.4 (MANE Select); coding-DNA position 1225, T replaced by C.
Protein change: p.Leu409=; no amino-acid change (leucine 409 retained).
Molecular consequence: synonymous variant.
Genome position (GRCh38, 1-based): chr1:112,917,181, A>G on the plus strand (T>C on the coding strand, the complement: SLC16A1 is on the minus strand). VCF-style: chr1-112917181-A-G. GRCh37 (hg19) VCF-style: chr1-113459803-A-G.
Other names: c.1225T>C, p.Leu409= (NM_001166496.2); c.1225T>C (NM_003051.3).
Identifiers: ClinVar variation 3629380 (VCV003629380.3).